The following is an entry in ClinVar:

NM_020975.6(RET):c.337+11C>T

Gene: RET (ret proto-oncogene; plus strand). Cytogenetic location: 10q11.21.
Variant type: single nucleotide variant.
Coding change: c.337+11C>T on transcript NM_020975.6 (MANE Select); 11 bases into the intron after coding-DNA position 337, C replaced by T.
Molecular consequence: intron variant.
Genome position (GRCh38, 1-based): chr10:43,100,733, C>T. VCF-style: chr10-43100733-C-T. GRCh37 (hg19) VCF-style: chr10-43596181-C-T.
Other names: c.337+11C>T (NM_020630.7, NM_001406743.1, NM_001406744.1 and 32 more transcripts); c.74-8298C>T (NM_001406784.1); c.74-11366C>T (NM_001406794.1, NM_001406792.1, NM_001406793.1).
Identifiers: ClinVar variation 548834 (VCV000548834.21), dbSNP rs754967305, ClinGen allele CA043177.

ClinVar aggregate classification (germline): Likely benign. Review status: criteria provided, multiple submitters, no conflicts (2 of 4 stars). 6 submissions from 6 submitters: Likely benign (5). 1 of the submissions does not count toward it. Last evaluated 2026-01-27.

Conditions:
Multiple endocrine neoplasia, type 2 (MEN2). Identifiers: Orphanet 653, MedGen C4048306, MONDO:0019003. Disease mechanism: gain of function.
Multiple endocrine neoplasia type 2A. Also called: MULTIPLE ENDOCRINE NEOPLASIA, TYPE IIA; PTC SYNDROME; SIPPLE SYNDROME; MEN 2A; MEN-2A syndrome; Pheochromocytoma and amyloid producing medullary thyroid carcinoma. Identifiers: Orphanet 247698, Orphanet 653, MedGen C0025268, MeSH D018813, MONDO:0008234, OMIM 171400.

Allele frequency attached by ClinVar (database versions not stated): ExAC below 0.00001; gnomAD exomes 0.00003 and 0.00007; gnomAD 0.00009 and 0.00011; TOPMed 0.00020.
gnomAD v4.1: 116 of 1,581,798 alleles (0.0073%); highest among the groups gnomAD compares: Admixed American, 0.014%; no homozygotes.

Submissions (6):

Labcorp Genetics (formerly Invitae), Labcorp
Classification: Likely benign for Multiple endocrine neoplasia, type 2. Last evaluated: 2026-01-27. Review status: criteria provided, single submitter. Criteria: Invitae Variant Classification Sherloc (09022015). Collection method: clinical testing. Allele origin: germline.

Blueprint Genetics
Classification: Likely benign. Last evaluated: 2024-03-13. Review status: criteria provided, single submitter. Criteria: ACMG Guidelines, 2015. Collection method: clinical testing. Allele origin: germline.

Women's Health and Genetics/Laboratory Corporation of America, LabCorp
Classification: Likely benign. Last evaluated: 2023-10-23. Review status: criteria provided, single submitter. Criteria: LabCorp Variant Classification Summary - May 2015. Collection method: clinical testing. Allele origin: germline.
Comment: Variant summary: RET c.337+11C>T alters a non-conserved nucleotide located at a position not widely known to affect splicing. Consensus agreement among computation tools predict no significant impact on normal splicing. However, these predictions have yet to be confirmed by functional studies. The variant allele was found at a frequency of 3.1e-05 in 192570 control chromosomes. The available data on variant occurrences in the general population are insufficient to allow any conclusion about variant significance. To our knowledge, no occurrence of c.337+11C>T in individuals affected with Multiple Endocrine Neoplasia Type 2 and no experimental evidence demonstrating its impact on protein function have been reported. Four submitters have cited clinical-significance assessments for this variant to ClinVar after 2014. All submitters classified the variant as likely benign. Based on the evidence outlined above, the variant was classified as likely benign.

ARUP Laboratories, Molecular Genetics and Genomics, ARUP Laboratories
Classification: Likely benign. Last evaluated: 2020-03-19. Review status: criteria provided, single submitter. Criteria: ARUP Molecular Germline Variant Investigation Process. Collection method: clinical testing. Allele origin: germline.

PreventionGenetics, part of Exact Sciences
Classification: Likely benign. Last evaluated: 2016-12-30. Review status: criteria provided, single submitter. Criteria: ACMG Guidelines, 2015. Collection method: clinical testing. Allele origin: germline.

Counsyl
Classification: Likely benign for Multiple endocrine neoplasia type 2A. Last evaluated: 2018-01-03. Review status: no assertion criteria provided. Collection method: clinical testing. Allele origin: unknown. Not counted in ClinVar's aggregate classification.